The following is an entry in ClinVar:

NM_001673.5(ASNS):c.78_79del (p.His26fs)

Genes: CZ1P-ASNS (CZ1P-ASNS readthrough; minus strand), ASNS (asparagine synthetase (glutamine-hydrolyzing); minus strand). Cytogenetic location: 7q21.3.
Variant type: Microsatellite.
Coding change: c.78_79del on transcript NM_001673.5 (MANE Select); coding-DNA positions 78 to 79, 2 bases deleted (CA; older notation c.78_79delCA).
Protein change: p.His26fs; shifts the reading frame from histidine 26.
Molecular consequence: frameshift variant. On other transcripts: non-coding transcript variant (1), intron variant (2).
Genome position (GRCh38, 1-based): chr7:97,869,078-97,869,079, TG deleted on the plus strand (CA on the coding strand, the reverse complement: ASNS is on the minus strand); deleting any 2 consecutive bases within chr7:97,869,078-97,869,083 gives the same sequence; the c. name uses the placement nearest the transcript's 3' end. VCF-style (leftmost placement, unchanged base first): chr7-97869077-CTG-C. GRCh37 (hg19) VCF-style: chr7-97498389-CTG-C.
Other names: c.78_79delCA (NM_133436.3); c.15_16del, p.His5fs (NM_001178075.2); c.78_79del, p.His26fs (NM_001352496.2, NM_133436.3, NM_183356.4); c.-1+3268CA[2] (NM_001178076.2); c.-1+2958CA[2] (NM_001178077.1); short protein forms H5fs, H26fs.
Identifiers: ClinVar variation 2056613 (VCV002056613.5), dbSNP rs1792123022, ClinGen allele CA1728345956.

ClinVar aggregate classification (germline): Pathogenic. Review status: criteria provided, single submitter (1 of 4 stars). 2 submissions from 2 submitters: Pathogenic (1). 1 of the submissions does not count toward it. Last evaluated 2023-11-27.

Conditions:
ASNS-related disorder. Also called: ASNS-related condition.

Submissions (2):

Labcorp Genetics (formerly Invitae), Labcorp
Classification: Pathogenic. Last evaluated: 2023-11-27. Review status: criteria provided, single submitter. Criteria: Invitae Variant Classification Sherloc (09022015). Collection method: clinical testing. Allele origin: germline.
Comment: This sequence change creates a premature translational stop signal (p.His26Glnfs*9) in the ASNS gene. It is expected to result in an absent or disrupted protein product. Loss-of-function variants in ASNS are known to be pathogenic (PMID: 27422383, 30057589). This variant is not present in population databases (gnomAD no frequency). This variant has not been reported in the literature in individuals affected with ASNS-related conditions. ClinVar contains an entry for this variant (Variation ID: 2056613). For these reasons, this variant has been classified as Pathogenic.

PreventionGenetics, part of Exact Sciences
Classification: Likely pathogenic for ASNS-related condition. Last evaluated: 2024-04-26. Review status: no assertion criteria provided. Collection method: clinical testing. Allele origin: germline. Not counted in ClinVar's aggregate classification.
Comment: The ASNS c.78_79delCA variant is predicted to result in a frameshift and premature protein termination (p.His26Glnfs*9). To our knowledge, this variant has not been reported in the literature or in a large population database, indicating this variant is rare. Frameshift variants in ASNS are expected to be pathogenic. This variant is interpreted as likely pathogenic.

Literature cited by the submitters: PubMed 27422383 (cited by Labcorp Genetics (formerly Invitae), Labcorp); PubMed 30057589 (cited by Labcorp Genetics (formerly Invitae), Labcorp).